The following is an entry in ClinVar:

ClinVar aggregate classification (germline): Uncertain significance (1 of 4 stars; one submission).

Submission:

Labcorp Genetics (formerly Invitae), Labcorp
Classification: Uncertain significance. Last evaluated: 2020-11-11. Review status: criteria provided, single submitter. Criteria: Invitae Variant Classification Sherloc (09022015). Collection method: clinical testing. Allele origin: germline.
Comment: This variant is not present in population databases (ExAC no frequency). This sequence change replaces glutamine with arginine at codon 850 of the INPPL1 protein (p.Gln850Arg). The glutamine residue is moderately conserved and there is a small physicochemical difference between glutamine and arginine. This variant has not been reported in the literature in individuals with INPPL1-related conditions. Algorithms developed to predict the effect of missense changes on protein structure and function are either unavailable or do not agree on the potential impact of this missense change (SIFT: "Deleterious"; PolyPhen-2: "Benign"; Align-GVGD: "Class C0"). In summary, the available evidence is currently insufficient to determine the role of this variant in disease. Therefore, it has been classified as a Variant of Uncertain Significance.

NM_001567.4(INPPL1):c.2549A>G (p.Gln850Arg)

Gene: INPPL1 (inositol polyphosphate phosphatase like 1; plus strand). Cytogenetic location: 11q13.4.
Variant type: single nucleotide variant.
Coding change: c.2549A>G on transcript NM_001567.4 (MANE Select); coding-DNA position 2549, A replaced by G.
Protein change: p.Gln850Arg; replaces glutamine 850 with arginine.
Molecular consequence: missense variant.
Genome position (GRCh38, 1-based): chr11:72,235,341, A>G. VCF-style: chr11-72235341-A-G. GRCh37 (hg19) VCF-style: chr11-71946385-A-G.
Other names: short protein forms Q850R.
Identifiers: ClinVar variation 1388262 (VCV001388262.8), dbSNP rs2135440961, ClinGen allele CA381735352.
Genomic context (GRCh38, chr11:72,235,341, plus strand): 5'-CCATCTGCTCCTCAGGGGAGTGTGTGGTTGCACTCAAATCCATGATCGGCAGCACGGCCC[A>G]ACAGTTCCTGACCTTCCTATCCCACCGTGGCGAGGAGACAGGCAATATCAGAGGCTCCAT-3'
Protein context (NP_001558.3, residues 840-860): ALKSMIGSTA[Gln850Arg]QFLTFLSHRG